The following is an entry in ClinVar:

NM_004329.3(BMPR1A):c.631G>T (p.Asp211Tyr)

Gene: BMPR1A (bone morphogenetic protein receptor type 1A; plus strand). Cytogenetic location: 10q23.2.
Variant type: single nucleotide variant.
Coding change: c.631G>T on transcript NM_004329.3 (MANE Select); coding-DNA position 631, G replaced by T.
Protein change: p.Asp211Tyr; replaces aspartic acid 211 with tyrosine.
Molecular consequence: missense variant. On other transcripts: non-coding transcript variant (3), intron variant (1).
Genome position (GRCh38, 1-based): chr10:86,912,340, G>T. VCF-style: chr10-86912340-G-T. GRCh37 (hg19) VCF-style: chr10-88672097-G-T.
Other names: c.706G>T, p.Asp236Tyr (NM_001406559.1); c.679G>T, p.Asp227Tyr (NM_001406560.1); c.631G>T, p.Asp211Tyr (NM_001406561.1, NM_001406562.1, NM_001406573.1 and 20 more transcripts); c.547G>T, p.Asp183Tyr (NM_001406584.1, NM_001406585.1, NM_001406586.1 and 2 more transcripts); c.334-4794G>T (NM_001406589.1); short protein forms D183Y, D211Y, D227Y, D236Y.
Identifiers: ClinVar variation 4085322 (VCV004085322.8).

ClinVar aggregate classification (germline): Uncertain significance (1 of 4 stars; one submission).

Submission:

CeGaT Center for Human Genetics Tuebingen
Classification: Uncertain significance. Last evaluated: 2025-07-01. Review status: criteria provided, single submitter. Criteria: CeGaT Center For Human Genetics Tuebingen Variant Classification Criteria Version 2. Collection method: clinical testing. Allele origin: germline. Affected: yes. Observed: 1 variant allele.
Comment: BMPR1A: PM2